The following is an entry in ClinVar:

NM_020365.5(EIF2B3):c.1222G>A (p.Val408Ile)

Gene: EIF2B3 (eukaryotic translation initiation factor 2B subunit gamma; minus strand). Cytogenetic location: 1p34.1.
Variant type: single nucleotide variant.
Coding change: c.1222G>A on transcript NM_020365.5 (MANE Select); coding-DNA position 1222, G replaced by A.
Protein change: p.Val408Ile; replaces valine 408 with isoleucine.
Molecular consequence: missense variant. On other transcripts: intron variant (1).
Genome position (GRCh38, 1-based): chr1:44,857,788, C>T on the plus strand (G>A on the coding strand, the complement: EIF2B3 is on the minus strand). VCF-style: chr1-44857788-C-T. GRCh37 (hg19) VCF-style: chr1-45323460-C-T.
Other names: c.1203-6785G>A (NM_001261418.2); short protein forms V408I.
Identifiers: ClinVar variation 4806300 (VCV004806300.1).

ClinVar aggregate classification (germline): Uncertain significance (1 of 4 stars; one submission).

Submission:

Labcorp Genetics (formerly Invitae), Labcorp
Classification: Uncertain significance. Last evaluated: 2025-10-12. Review status: criteria provided, single submitter. Criteria: Invitae Variant Classification Sherloc (09022015). Collection method: clinical testing. Allele origin: germline.
Comment: This sequence change replaces valine, which is neutral and non-polar, with isoleucine, which is neutral and non-polar, at codon 408 of the EIF2B3 protein (p.Val408Ile). This variant is not present in population databases (gnomAD no frequency). This variant has not been reported in the literature in individuals affected with EIF2B3-related conditions. Invitae Evidence Modeling of protein sequence and biophysical properties (such as structural, functional, and spatial information, amino acid conservation, physicochemical variation, residue mobility, and thermodynamic stability) indicates that this missense variant is not expected to disrupt EIF2B3 protein function with a negative predictive value of 80%. In summary, the available evidence is currently insufficient to determine the role of this variant in disease. Therefore, it has been classified as a Variant of Uncertain Significance.